The following is an entry in ClinVar:

NM_000051.4(ATM):c.8466T>A (p.Asp2822Glu)

Genes: ATM (ATM serine/threonine kinase; plus strand), C11orf65 (chromosome 11 open reading frame 65; minus strand). Cytogenetic location: 11q22.3.
Variant type: single nucleotide variant.
Coding change: c.8466T>A on transcript NM_000051.4 (MANE Select); coding-DNA position 8466, T replaced by A.
Protein change: p.Asp2822Glu; replaces aspartic acid 2822 with glutamic acid.
Molecular consequence: missense variant. On other transcripts: intron variant (2).
Genome position (GRCh38, 1-based): chr11:108,345,790, T>A. VCF-style: chr11-108345790-T-A. GRCh37 (hg19) VCF-style: chr11-108216517-T-A.
Other names: c.8466T>A, p.Asp2822Glu (NM_001351834.2); c.641-36719A>T (NM_001330368.2); c.695-10498A>T (NM_001351110.2); short protein forms D2822E.
Identifiers: ClinVar variation 1445754 (VCV001445754.8), dbSNP rs1057523224, ClinGen allele CA382517967.

ClinVar aggregate classification (germline): Uncertain significance. Review status: criteria provided, single submitter (1 of 4 stars). 2 submissions from 2 submitters: Uncertain significance (1). 1 of the submissions does not count toward it. Last evaluated 2022-07-22.

Conditions:
Ataxia-telangiectasia syndrome (AT). Also called: Ataxia-telangiectasia; LOUIS-BAR SYNDROME; Ataxia-telangiectasia, complementation group D; AT, COMPLEMENTATION GROUP C; ATAXIA-TELANGIECTASIA, COMPLEMENTATION GROUP A; ATAXIA-TELANGIECTASIA, FRESNO VARIANT. Identifiers: Orphanet 100, MedGen C0004135, MONDO:0008840, OMIM 208900.

Submissions (2):

Labcorp Genetics (formerly Invitae), Labcorp
Classification: Uncertain significance for Ataxia-telangiectasia syndrome. Last evaluated: 2022-07-22. Review status: criteria provided, single submitter. Criteria: Invitae Variant Classification Sherloc (09022015). Collection method: clinical testing. Allele origin: germline.
Comment: This variant is not present in population databases (gnomAD no frequency). In summary, the available evidence is currently insufficient to determine the role of this variant in disease. Therefore, it has been classified as a Variant of Uncertain Significance. Algorithms developed to predict the effect of missense changes on protein structure and function output the following: SIFT: "Tolerated"; PolyPhen-2: "Benign"; Align-GVGD: "Class C0". The glutamic acid amino acid residue is found in multiple mammalian species, which suggests that this missense change does not adversely affect protein function. ClinVar contains an entry for this variant (Variation ID: 1445754). This variant has not been reported in the literature in individuals affected with ATM-related conditions. This sequence change replaces aspartic acid, which is acidic and polar, with glutamic acid, which is acidic and polar, at codon 2822 of the ATM protein (p.Asp2822Glu).

Natera, Inc.
Classification: Uncertain significance for Ataxia-telangiectasia. Last evaluated: 2025-04-10. Review status: no assertion criteria provided. Collection method: clinical testing. Allele origin: germline. Not counted in ClinVar's aggregate classification.